The following is an entry in ClinVar:

ClinVar aggregate classification (germline): Conflicting classifications of pathogenicity. Review status: criteria provided, conflicting classifications (1 of 4 stars). 2 submissions from 2 submitters: Uncertain significance (1); Likely benign (1). Last evaluated 2026-03-16.

Conditions:
Inborn genetic diseases. Identifiers: MedGen C0950123, MeSH D030342.
Short stature, rhizomelic, with microcephaly, micrognathia, and developmental delay (SSMG). Also called: SHORT STATURE-MICROGNATHIA SYNDROME. Identifiers: Orphanet 659702, MedGen C4310686, MONDO:0014948, OMIM 617164.

Submissions (2):

Centre for Medical Genetics,  Mumbai
Classification: Likely benign for Short stature, rhizomelic, with microcephaly, micrognathia, and developmental delay. Last evaluated: 2026-03-16. Review status: criteria provided, single submitter. Criteria: ACMG Guidelines, 2015. Collection method: provider interpretation. Allele origin: germline. Inheritance: Autosomal dominant inheritance. Affected: no. Observed: 1 variant allele, 1 heterozygote.
Comment: The variant satisfies PM2 criteria; Extremely low frequency in gnomAD population databases. The variant satisfies BP4 criteria; For a missense or a splice region variant, computational prediction tools unanimously support a benign effect on the gene. However, the variant satisfies BS2 criteria; present in heterozygous state in an individual that clinically does not have Short stature-micrognathia syndrome.

Ambry Genetics
Classification: Uncertain significance for Inborn genetic diseases. Last evaluated: 2023-06-05. Review status: criteria provided, single submitter. Criteria: Ambry Variant Classification Scheme 2023. Collection method: clinical testing. Allele origin: germline.

Literature cited by the submitters: PubMed 27476655 (cited by Centre for Medical Genetics,  Mumbai).

NM_001655.5(ARCN1):c.646C>T (p.Pro216Ser)

Gene: ARCN1 (archain 1 coat protein complex I subunit delta; plus strand). Cytogenetic location: 11q23.3.
Variant type: single nucleotide variant.
Coding change: c.646C>T on transcript NM_001655.5 (MANE Select); coding-DNA position 646, C replaced by T.
Protein change: p.Pro216Ser; replaces proline 216 with serine.
Molecular consequence: missense variant.
Genome position (GRCh38, 1-based): chr11:118,584,007, C>T. VCF-style: chr11-118584007-C-T. GRCh37 (hg19) VCF-style: chr11-118454722-C-T.
Other names: c.382C>T, p.Pro128Ser (NM_001142281.2); short protein forms P128S, P216S.
Identifiers: ClinVar variation 2556581 (VCV002556581.3), dbSNP rs2497685662, ClinGen allele CA382805954.
Genomic context (GRCh38, chr11:118,584,007, plus strand): 5'-ACAGCTGCCATGATCACAGAGACCATCATTGAAACTGATAAACCAAAAGTGGCACCTGCA[C>T]CAGCCAGGTATAATCCAGTGTACTTTAGAATACCAGGTGAAGGGTGTATATGTGTCTATC-3'
Protein context (NP_001646.2, residues 206-226): ETDKPKVAPA[Pro216Ser]ARPSGPSKAL